The following is an entry in ClinVar:

ClinVar aggregate classification (germline): Pathogenic (1 of 4 stars; one submission).

Conditions:
Nephronophthisis. Also called: Juvenile Nephronophthisis. Identifiers: Orphanet 655, MedGen C0687120, MONDO:0019005, HP:0000090.
Meckel-Gruber syndrome. Also called: DYSENCEPHALIA SPLANCHNOCYSTICA; GRUBER SYNDROME; Dysencephalia splachnocystica. Identifiers: Orphanet 564, MedGen C0265215, MONDO:0018921.
Joubert syndrome. Also called: CEREBELLOPARENCHYMAL DISORDER IV; JOUBERT-BOLTSHAUSER SYNDROME; Familial aplasia of the vermis. Identifiers: Orphanet 475, MedGen C5979921, MONDO:0018772.

Submission:

Labcorp Genetics (formerly Invitae), Labcorp
Classification: Pathogenic for Joubert syndrome; Meckel-Gruber syndrome; Nephronophthisis. Last evaluated: 2021-02-10. Review status: criteria provided, single submitter. Criteria: Invitae Variant Classification Sherloc (09022015). Collection method: clinical testing. Allele origin: germline.
Comment: This variant has not been reported in the literature in individuals with CEP290-related conditions. For these reasons, this variant has been classified as Pathogenic. This variant is not present in population databases (ExAC no frequency). This sequence change creates a premature translational stop signal (p.Arg911Lysfs*42) in the CEP290 gene. It is expected to result in an absent or disrupted protein product. Loss-of-function variants in CEP290 are known to be pathogenic (PMID: 16909394, 17345604, 20690115).

Literature cited by the submitters: PubMed 16909394; PubMed 17345604; PubMed 20690115.

NM_025114.4(CEP290):c.2732_2735del (p.Arg911fs)

Gene: CEP290 (centrosomal protein 290; minus strand). Cytogenetic location: 12q21.32.
Variant type: Deletion.
Coding change: c.2732_2735del on transcript NM_025114.4 (MANE Select); coding-DNA positions 2732 to 2735, 4 bases deleted (GAAA; older notation c.2732_2735delGAAA).
Protein change: p.Arg911fs; shifts the reading frame from arginine 911.
Molecular consequence: frameshift variant.
Genome position (GRCh38, 1-based): chr12:88,106,757-88,106,760, TTTC deleted on the plus strand (GAAA on the coding strand, the reverse complement: CEP290 is on the minus strand); deleting any 4 consecutive bases within chr12:88,106,757-88,106,761 gives the same sequence; the c. name uses the placement nearest the transcript's 3' end. VCF-style (leftmost placement, unchanged base first): chr12-88106756-TTTTC-T. GRCh37 (hg19) VCF-style: chr12-88500533-TTTTC-T.
Other names: short protein forms R911fs.
Identifiers: ClinVar variation 1456410 (VCV001456410.6), dbSNP rs2137614623, ClinGen allele CA2573149005.